The following is an entry in ClinVar:

ClinVar aggregate classification (germline): Conflicting classifications of pathogenicity. Review status: criteria provided, conflicting classifications (1 of 4 stars). 2 submissions from 2 submitters: Uncertain significance (1); Likely benign (1). Last evaluated 2025-02-01.

Allele frequency attached by ClinVar (database versions not stated): gnomAD exomes below 0.00001 and 0.00001; gnomAD 0.00003; TOPMed 0.00003.
gnomAD v4.1: 22 of 1,613,746 alleles (0.0014%); highest among the groups gnomAD compares: Non-Finnish European, 0.0017%; no homozygotes.

Submissions (2):

CeGaT Center for Human Genetics Tuebingen
Classification: Likely benign. Last evaluated: 2025-02-01. Review status: criteria provided, single submitter. Criteria: CeGaT Center For Human Genetics Tuebingen Variant Classification Criteria Version 2. Collection method: clinical testing. Allele origin: germline. Affected: yes. Observed: 1 variant allele.
Comment: VCAN: BP4, BS2

Labcorp Genetics (formerly Invitae), Labcorp
Classification: Uncertain significance. Last evaluated: 2022-03-04. Review status: criteria provided, single submitter. Criteria: Invitae Variant Classification Sherloc (09022015). Collection method: clinical testing. Allele origin: germline.
Comment: In summary, the available evidence is currently insufficient to determine the role of this variant in disease. Therefore, it has been classified as a Variant of Uncertain Significance. Algorithms developed to predict the effect of missense changes on protein structure and function output the following: SIFT: "Deleterious"; PolyPhen-2: "Benign"; Align-GVGD: "Class C0". The arginine amino acid residue is found in multiple mammalian species, which suggests that this missense change does not adversely affect protein function. ClinVar contains an entry for this variant (Variation ID: 1003289). This variant has not been reported in the literature in individuals affected with VCAN-related conditions. This variant is present in population databases (no rsID available, gnomAD 0.002%). This sequence change replaces glycine, which is neutral and non-polar, with arginine, which is basic and polar, at codon 714 of the VCAN protein (p.Gly714Arg).

NM_004385.5(VCAN):c.2140G>C (p.Gly714Arg)

Gene: VCAN (versican; plus strand). Cytogenetic location: 5q14.3.
Variant type: single nucleotide variant.
Coding change: c.2140G>C on transcript NM_004385.5 (MANE Select); coding-DNA position 2140, G replaced by C.
Protein change: p.Gly714Arg; replaces glycine 714 with arginine.
Molecular consequence: missense variant. On other transcripts: intron variant (2).
Genome position (GRCh38, 1-based): chr5:83,520,446, G>C. VCF-style: chr5-83520446-G-C. GRCh37 (hg19) VCF-style: chr5-82816265-G-C.
Other names: c.2140G>C, p.Gly714Arg (NM_001164098.2); c.1042+8050G>C (NM_001164097.2, NM_001126336.3); short protein forms G714R.
Identifiers: ClinVar variation 1003289 (VCV001003289.21), dbSNP rs1174927168, ClinGen allele CA360303216.
Genomic context (GRCh38, chr5:83,520,446, plus strand): 5'-ATGAGAACAGATACTTATACAGATGAAATACAAGAAGAGATCACTAAAAGTCCATTTATG[G>C]GAAAAACAGAAGAAGAAGTCTTCTCTGGGATGAAACTCTCTACATCTCTCTCAGAGCCAA-3'
Protein context (NP_004376.2, residues 704-724): QEEITKSPFM[Gly714Arg]KTEEEVFSGM